The following is an entry in ClinVar:

ClinVar aggregate classification (germline): Uncertain significance (1 of 4 stars; one submission).

Conditions:
Charcot-Marie-Tooth disease, type I (CMT1). Also called: Charcot-Marie-Tooth, Type 1; Charcot-Marie-Tooth disease type 1. Identifiers: Orphanet 65753, MedGen C0751036, MONDO:0019011.

Submission:

Labcorp Genetics (formerly Invitae), Labcorp
Classification: Uncertain significance for Charcot-Marie-Tooth disease, type I. Last evaluated: 2023-06-25. Review status: criteria provided, single submitter. Criteria: Invitae Variant Classification Sherloc (09022015). Collection method: clinical testing. Allele origin: germline.
Comment: In summary, the available evidence is currently insufficient to determine the role of this variant in disease. Therefore, it has been classified as a Variant of Uncertain Significance. Advanced modeling of protein sequence and biophysical properties (such as structural, functional, and spatial information, amino acid conservation, physicochemical variation, residue mobility, and thermodynamic stability) performed at Invitae indicates that this missense variant is not expected to disrupt PMP22 protein function. This variant has not been reported in the literature in individuals affected with PMP22-related conditions. This variant is not present in population databases (gnomAD no frequency). This sequence change replaces serine, which is neutral and polar, with proline, which is neutral and non-polar, at codon 22 of the PMP22 protein (p.Ser22Pro).

NM_000304.4(PMP22):c.64T>C (p.Ser22Pro)

Gene: PMP22 (peripheral myelin protein 22; minus strand). Cytogenetic location: 17p12.
Variant type: single nucleotide variant.
Coding change: c.64T>C on transcript NM_000304.4 (MANE Select); coding-DNA position 64, T replaced by C.
Protein change: p.Ser22Pro; replaces serine 22 with proline.
Molecular consequence: missense variant.
Genome position (GRCh38, 1-based): chr17:15,260,664, A>G on the plus strand (T>C on the coding strand, the complement: PMP22 is on the minus strand). VCF-style: chr17-15260664-A-G. GRCh37 (hg19) VCF-style: chr17-15163981-A-G.
Other names: c.64T>C, p.Ser22Pro (NM_001281455.2, NM_001281456.2, NM_001330143.2 and 2 more transcripts); short protein forms S22P.
Identifiers: ClinVar variation 2884310 (VCV002884310.3), dbSNP rs1300756669, ClinGen allele CA398271676.